The following is an entry in ClinVar:

ClinVar aggregate classification (germline): Uncertain significance (1 of 4 stars; one submission).

Conditions:
Hereditary cancer-predisposing syndrome. Also called: Neoplastic Syndromes, Hereditary; Tumor predisposition; Hereditary neoplastic syndrome; Hereditary Cancer Syndrome. Identifiers: Orphanet 140162, MedGen C0027672, MeSH D009386, MONDO:0015356.

Submission:

Ambry Genetics
Classification: Uncertain significance for Hereditary cancer-predisposing syndrome. Last evaluated: 2026-09-01. Review status: criteria provided, single submitter. Criteria: Ambry Variant Classification Scheme 2023. Collection method: clinical testing. Allele origin: germline.
Comment: The c.5389_5396dupATCTCCTC variant, located in coding exon 41 of the TSC2 gene, results from a duplication of ATCTCCTC at nucleotide position 5389, causing a translational frameshift with a predicted alternate stop codon (p.V1800Sfs*29). This variant occurs at the 3' terminus of the gene, is not expected to trigger nonsense-mediated mRNAdecay and results in the elongation of the protein by 20 amino acids. This frameshift impacts the last 8amino acids of the native protein. The exact functional effect of the altered amino acids is unknown. Based on the available evidence, the clinical significance of this variant remains unclear.

NM_000548.5(TSC2):c.5389_5396dup (p.Val1800fs)

Gene: TSC2 (TSC complex subunit 2; plus strand). Cytogenetic location: 16p13.3.
Variant type: Duplication.
Coding change: c.5389_5396dup on transcript NM_000548.5 (MANE Select); coding-DNA positions 5389 to 5396, 8 bases duplicated (ATCTCCTC; older notation c.5389_5396dupATCTCCTC).
Protein change: p.Val1800fs; shifts the reading frame from valine 1800.
Molecular consequence: frameshift variant. On other transcripts: non-coding transcript variant (5).
Genome position (GRCh38, 1-based): chr16:2,088,575-2,088,582, ATCTCCTC duplicated; duplicating any 8 consecutive bases within chr16:2,088,571-2,088,582 gives the same sequence; the c. name uses the placement nearest the transcript's 3' end. VCF-style (leftmost placement, unchanged base first): chr16-2088570-G-GCCTCATCT. GRCh37 (hg19) VCF-style: chr16-2138571-G-GCCTCATCT.
Other names: c.5389_5396dupATCTCCTC (NM_000548.3); c.5188_5195dup, p.Val1733fs (NM_001077183.3); c.5320_5327dup, p.Val1777fs (NM_001114382.3); c.5080_5087dup, p.Val1697fs (NM_001318827.2); c.5044_5051dup, p.Val1685fs (NM_001318829.2); c.4657_4664dup, p.Val1556fs (NM_001318831.2); c.5221_5228dup, p.Val1744fs (NM_001318832.2); c.5191_5198dup, p.Val1734fs (NM_001363528.2); and 28 more; short protein forms V1309fs, V1696fs, V1756fs, V1776fs, V1800fs, V1199fs, V1308fs, V1577fs.
Identifiers: ClinVar variation 5031405 (VCV005031405.1).